The following is an entry in ClinVar:

ClinVar aggregate classification (germline): Conflicting classifications of pathogenicity. Review status: criteria provided, conflicting classifications (1 of 4 stars). 4 submissions from 4 submitters: Uncertain significance (3); Likely benign (1). Last evaluated 2025-11-14.

Conditions:
KMT2D-related disorder. Also called: KMT2D-Related Disorders.
Inborn genetic diseases. Identifiers: MedGen C0950123, MeSH D030342.
Kabuki syndrome. Also called: Kabuki make-up syndrome; NIIKAWA-KUROKI SYNDROME. Identifiers: Orphanet 2322, MedGen C0796004, MONDO:0016512.

Allele frequency attached by ClinVar (database versions not stated): gnomAD exomes 0.00001; TOPMed 0.00002; gnomAD 0.00003.
gnomAD v4.1: 19 of 1,613,616 alleles (0.0012%); highest among the groups gnomAD compares: Non-Finnish European, 0.0015%; no homozygotes.

Submissions (4):

PreventionGenetics, part of Exact Sciences
Classification: Uncertain significance for KMT2D-related condition. Last evaluated: 2025-11-14. Review status: criteria provided, single submitter. Criteria: ACMG Guidelines, 2015. Collection method: clinical testing. Allele origin: germline.
Comment: The KMT2D c.3118T>C variant is predicted to result in the amino acid substitution p.Ser1040Pro. To our knowledge, this variant has not been reported in the literature or in a large population database (gnomAD), indicating this variant is rare. At this time, the clinical significance of this variant is uncertain due to the absence of conclusive functional and genetic evidence.

Ambry Genetics
Classification: Uncertain significance for Inborn genetic diseases. Last evaluated: 2025-08-23. Review status: criteria provided, single submitter. Criteria: Ambry Variant Classification Scheme 2023. Collection method: clinical testing. Allele origin: germline.

Labcorp Genetics (formerly Invitae), Labcorp
Classification: Uncertain significance for Kabuki syndrome. Last evaluated: 2024-09-11. Review status: criteria provided, single submitter. Criteria: Invitae Variant Classification Sherloc (09022015). Collection method: clinical testing. Allele origin: germline.
Comment: This sequence change replaces serine, which is neutral and polar, with proline, which is neutral and non-polar, at codon 1040 of the KMT2D protein (p.Ser1040Pro). This variant is not present in population databases (gnomAD no frequency). This variant has not been reported in the literature in individuals affected with KMT2D-related conditions. ClinVar contains an entry for this variant (Variation ID: 377171). Invitae Evidence Modeling of protein sequence and biophysical properties (such as structural, functional, and spatial information, amino acid conservation, physicochemical variation, residue mobility, and thermodynamic stability) indicates that this missense variant is not expected to disrupt KMT2D protein function with a negative predictive value of 95%. In summary, the available evidence is currently insufficient to determine the role of this variant in disease. Therefore, it has been classified as a Variant of Uncertain Significance.

Center for Pediatric Genomic Medicine, Children's Mercy Hospital and Clinics
Classification: Likely benign. Last evaluated: 2016-09-12. Review status: criteria provided, single submitter. Criteria: ACMG Guidelines, 2015. Collection method: clinical testing. Allele origin: germline.
ClinVar note: Converted during submission from Likely Benign to Likely benign.

NM_003482.4(KMT2D):c.3118T>C (p.Ser1040Pro)

Gene: KMT2D (lysine methyltransferase 2D; minus strand). Cytogenetic location: 12q13.12.
Variant type: single nucleotide variant.
Coding change: c.3118T>C on transcript NM_003482.4 (MANE Select); coding-DNA position 3118, T replaced by C.
Protein change: p.Ser1040Pro; replaces serine 1040 with proline.
Molecular consequence: missense variant.
Genome position (GRCh38, 1-based): chr12:49,050,470, A>G on the plus strand (T>C on the coding strand, the complement: KMT2D is on the minus strand). VCF-style: chr12-49050470-A-G. GRCh37 (hg19) VCF-style: chr12-49444253-A-G.
Other names: c.3118T>C (NM_003482.3); short protein forms S1040P.
Identifiers: ClinVar variation 377171 (VCV000377171.7), dbSNP rs970636133, ClinGen allele CA16603288.